The following is an entry in ClinVar:

NM_080732.4(EGLN2):c.787G>A (p.Val263Ile)

Genes: EGLN2 (egl-9 family hypoxia inducible factor 2; plus strand), RAB4B-EGLN2 (RAB4B-EGLN2 readthrough (NMD candidate); plus strand). Cytogenetic location: 19q13.2.
Variant type: single nucleotide variant.
Coding change: c.787G>A on transcript NM_080732.4 (MANE Select); coding-DNA position 787, G replaced by A.
Protein change: p.Val263Ile; replaces valine 263 with isoleucine.
Molecular consequence: missense variant. On other transcripts: non-coding transcript variant (1).
Genome position (GRCh38, 1-based): chr19:40,801,359, G>A. VCF-style: chr19-40801359-G-A. GRCh37 (hg19) VCF-style: chr19-41307264-G-A.
Other names: c.787G>A, p.Val263Ile (NM_053046.4); short protein forms V263I.
Identifiers: ClinVar variation 1760995 (VCV001760995.3), dbSNP rs754101570, ClinGen allele CA9452305.

ClinVar aggregate classification (germline): Uncertain significance (1 of 4 stars; one submission).

Allele frequency attached by ClinVar (database versions not stated): TOPMed below 0.00001; ExAC 0.00001; gnomAD 0.00001; gnomAD exomes 0.00001.

Submission:

Ambry Genetics
Classification: Uncertain significance. Last evaluated: 2024-06-08. Review status: criteria provided, single submitter. Criteria: Ambry Variant Classification Scheme 2023. Collection method: clinical testing. Allele origin: germline.
Comment: The p.V263I variant (also known as c.787G>A), located in coding exon 1 of the EGLN2 gene, results from a G to A substitution at nucleotide position 787. The valine at codon 263 is replaced by isoleucine, an amino acid with highly similar properties. This amino acid position is conserved. In addition, this alteration is predicted to be tolerated by in silico analysis. Since supporting evidence is limited at this time, the clinical significance of this alteration remains unclear.